The following is an entry in ClinVar:

ClinVar aggregate classification (germline): Uncertain significance (1 of 4 stars; one submission).

Conditions:
Van Maldergem syndrome 2 (VMLDS2). Identifiers: Orphanet 314679, MedGen C3809875, MONDO:0014242, OMIM 615546.

gnomAD v4.1: 3 of 1,613,920 alleles (0.00019%); highest among the groups gnomAD compares: South Asian, 0.0022%; no homozygotes.

Submission:

Laboratoire Génétique Moléculaire, CHRU TOURS
Classification: Uncertain significance for Van Maldergem syndrome 2. Last evaluated: 2022-04-13. Review status: criteria provided, single submitter. Criteria: ACMG Guidelines, 2015. Collection method: clinical testing. Allele origin: maternal.
Comment: PM2;PP3

NM_001291303.3(FAT4):c.1202G>T (p.Gly401Val)

Gene: FAT4 (FAT atypical cadherin 4; plus strand). Cytogenetic location: 4q28.1.
Variant type: single nucleotide variant.
Coding change: c.1202G>T on transcript NM_001291303.3 (MANE Select); coding-DNA position 1202, G replaced by T.
Protein change: p.Gly401Val; replaces glycine 401 with valine.
Molecular consequence: missense variant. On other transcripts: intron variant (1).
Genome position (GRCh38, 1-based): chr4:125,317,613, G>T. VCF-style: chr4-125317613-G-T. GRCh37 (hg19) VCF-style: chr4-126238768-G-T.
Other names: c.1202G>T, p.Gly401Val (NM_001291285.3, NM_001438396.1, NM_001438397.1 and 1 more transcripts); c.-55+1636G>T (NM_001437895.1); short protein forms G401V.
Identifiers: ClinVar variation 4294393 (VCV004294393.1).